The following is an entry in ClinVar:

ClinVar aggregate classification (germline): Uncertain significance. Review status: criteria provided, multiple submitters, no conflicts (2 of 4 stars). 3 submissions from 3 submitters: Uncertain significance (3). Last evaluated 2025-12-04.

Conditions:
Epidermolysis bullosa simplex 5B, with muscular dystrophy (EBS5B). Also called: EPIDERMOLYSIS BULLOSA SIMPLEX AND LIMB-GIRDLE MUSCULAR DYSTROPHY; Epidermolysis bullosa simplex with muscular dystrophy. Identifiers: Orphanet 257, MedGen C2931072, MONDO:0009181, OMIM 226670.
Epidermolysis bullosa simplex 5C, with pyloric atresia (EBS5C). Also called: Epidermolysis bullosa simplex with pyloric atresia; PLEC-Related Epidermolysis Bullosa with Pyloric Atresia; PLEC1-Related Epidermolysis Bullosa with Pyloric Atresia. Identifiers: Orphanet 158684, MedGen C2677349, MONDO:0012807, OMIM 612138.
Autosomal recessive limb-girdle muscular dystrophy type 2Q (LGMDR17). Also called: MUSCULAR DYSTROPHY, LIMB-GIRDLE, AUTOSOMAL RECESSIVE 17. Identifiers: Orphanet 254361, MedGen C3150989, MONDO:0013390, OMIM 613723.
Epidermolysis bullosa simplex with nail dystrophy (EBS5D). Identifiers: MedGen C4225309, MONDO:0014661, OMIM 616487.
Epidermolysis bullosa simplex, Ogna type (EBS5A). Also called: Pidermolysis bullosa simplex 5A, Ogna type; EPIDERMOLYSIS BULLOSA SIMPLEX 5A, OGNA TYPE. Identifiers: Orphanet 79401, MedGen C0432317, MONDO:0007555, OMIM 131950.
Inborn genetic diseases. Identifiers: MedGen C0950123, MeSH D030342.

Allele frequency attached by ClinVar (database versions not stated): gnomAD exomes 0.00012; gnomAD 0.00003; TOPMed 0.00005; ExAC 0.00008.
gnomAD v4.1: 66 of 1,612,902 alleles (0.0041%); highest among the groups gnomAD compares: Admixed American, 0.05%; no homozygotes.

Submissions (3):

Ambry Genetics
Classification: Uncertain significance for Inborn genetic diseases. Last evaluated: 2025-12-04. Review status: criteria provided, single submitter. Criteria: Ambry Variant Classification Scheme 2023. Collection method: clinical testing. Allele origin: germline.

Labcorp Genetics (formerly Invitae), Labcorp
Classification: Uncertain significance for Autosomal recessive limb-girdle muscular dystrophy type 2Q; Epidermolysis bullosa simplex, Ogna type; Epidermolysis bullosa simplex with nail dystrophy; Epidermolysis bullosa simplex 5C, with pyloric atresia; Epidermolysis bullosa simplex 5B, with muscular dystrophy. Last evaluated: 2025-10-13. Review status: criteria provided, single submitter. Criteria: Invitae Variant Classification Sherloc (09022015). Collection method: clinical testing. Allele origin: germline.
Comment: This sequence change replaces glycine, which is neutral and non-polar, with serine, which is neutral and polar, at codon 2751 of the PLEC protein (p.Gly2751Ser). This variant is present in population databases (rs782189332, gnomAD 0.07%). This variant has not been reported in the literature in individuals affected with PLEC-related conditions. ClinVar contains an entry for this variant (Variation ID: 1044429). An algorithm developed to predict the effect of missense changes on protein structure and function (PolyPhen-2) suggests that this variant is likely to be disruptive. In summary, the available evidence is currently insufficient to determine the role of this variant in disease. Therefore, it has been classified as a Variant of Uncertain Significance.

Revvity Omics, Revvity
Classification: Uncertain significance. Last evaluated: 2024-07-30. Review status: criteria provided, single submitter. Criteria: ACMG Guidelines, 2015. Collection method: clinical testing. Allele origin: germline.

NM_201384.3(PLEC):c.8170G>A (p.Gly2724Ser)

Gene: PLEC (plectin; minus strand). Cytogenetic location: 8q24.3.
Variant type: single nucleotide variant.
Coding change: c.8170G>A on transcript NM_201384.3 (MANE Select); coding-DNA position 8170, G replaced by A.
Protein change: p.Gly2724Ser; replaces glycine 2724 with serine.
Molecular consequence: missense variant.
Genome position (GRCh38, 1-based): chr8:143,921,651, C>T on the plus strand (G>A on the coding strand, the complement: PLEC is on the minus strand). VCF-style: chr8-143921651-C-T. GRCh37 (hg19) VCF-style: chr8-144995819-C-T.
Other names: c.8251G>A, p.Gly2751Ser (NM_000445.5); c.8128G>A, p.Gly2710Ser (NM_201378.4); c.8104G>A, p.Gly2702Ser (NM_201379.3); c.8581G>A, p.Gly2861Ser (NM_201380.4); c.8074G>A, p.Gly2692Ser (NM_201381.3); c.8170G>A, p.Gly2724Ser (NM_201382.4); c.8182G>A, p.Gly2728Ser (NM_201383.3); c.8251G>A (NM_000445.3); short protein forms G2728S, G2692S, G2751S, G2702S, G2710S, G2724S, G2861S.
Identifiers: ClinVar variation 1044429 (VCV001044429.11), dbSNP rs782189332, ClinGen allele CA4925405.